The following is an entry in ClinVar:

NM_001202.6(BMP4):c.1150C>G (p.Leu384Val)

Gene: BMP4 (bone morphogenetic protein 4; minus strand). Cytogenetic location: 14q22.2.
Variant type: single nucleotide variant.
Coding change: c.1150C>G on transcript NM_001202.6 (MANE Select); coding-DNA position 1150, C replaced by G.
Protein change: p.Leu384Val; replaces leucine 384 with valine.
Molecular consequence: missense variant.
Genome position (GRCh38, 1-based): chr14:53,950,109, G>C on the plus strand (C>G on the coding strand, the complement: BMP4 is on the minus strand). VCF-style: chr14-53950109-G-C. GRCh37 (hg19) VCF-style: chr14-54416827-G-C.
Other names: c.1291C>G, p.Leu431Val (NM_001347912.1); c.961C>G, p.Leu321Val (NM_001347913.2, NM_001347915.2, NM_001347917.1); c.1150C>G, p.Leu384Val (NM_001347914.2, NM_001347916.1, NM_130850.5 and 1 more transcripts); short protein forms L321V, L384V, L431V.
Identifiers: ClinVar variation 3344216 (VCV003344216.1).

ClinVar aggregate classification (germline): Uncertain significance (0 of 4 stars; one submission).

Conditions:
BMP4-related disorder. Also called: BMP4-related condition.

Submission:

PreventionGenetics, part of Exact Sciences
Classification: Uncertain significance for BMP4-related condition. Last evaluated: 2024-08-23. Review status: no assertion criteria provided. Collection method: clinical testing. Allele origin: germline.
Comment: The BMP4 c.1291C>G variant is predicted to result in the amino acid substitution p.Leu431Val. To our knowledge, this variant has not been reported in the literature or in a large population database, indicating this variant is rare. At this time, the clinical significance of this variant is uncertain due to the absence of conclusive functional and genetic evidence.